The following is an entry in ClinVar:

ClinVar aggregate classification (germline): Pathogenic (1 of 4 stars; one submission).

Conditions:
Cardiovascular phenotype. Identifiers: MedGen CN230736.

Submission:

Ambry Genetics
Classification: Pathogenic for Cardiovascular phenotype. Last evaluated: 2025-03-21. Review status: criteria provided, single submitter. Criteria: Ambry Variant Classification Scheme 2023. Collection method: clinical testing. Allele origin: germline.
Comment: The c.3501dupC pathogenic mutation, located in coding exon 2 of the ZNF469 gene, results from a duplication of C at nucleotide position 3501, causing a translational frameshift with a predicted alternate stop codon (p.S1168Lfs*34). This alteration occurs at the 3' terminus of theZNF469 gene, is not expected to trigger nonsense-mediated mRNA decay, and impacts the last 70% of the protein. However, premature stop codons are typically deleterious in nature and a significant portion of the protein is affected (Ambry internal data). This variant is considered to be rare based on population cohorts in the Genome Aggregation Database (gnomAD). Based on the supporting evidence, this variant is interpreted as a disease-causing mutation.

NM_001367624.2(ZNF469):c.3585dup (p.Ser1196fs)

Gene: ZNF469 (zinc finger protein 469; plus strand). Cytogenetic location: 16q24.2.
Variant type: Duplication.
Coding change: c.3585dup on transcript NM_001367624.2 (MANE Select); coding-DNA position 3585, one base duplicated (C; older notation c.3585dupC).
Protein change: p.Ser1196fs; shifts the reading frame from serine 1196.
Molecular consequence: frameshift variant.
Genome position (GRCh38, 1-based): chr16:88,431,055, C duplicated; the last of 4 consecutive C bases (chr16:88,431,052-88,431,055); duplicating any one gives the same sequence. VCF-style (leftmost placement, unchanged base first): chr16-88431051-G-GC. GRCh37 (hg19) VCF-style: chr16-88497459-G-GC.
Other names: NM_001127464.1:c.3501dupC; short protein forms S1196fs.
Identifiers: ClinVar variation 3987291 (VCV003987291.1).